The following is an entry in ClinVar:

NM_001377.3(DYNC2H1):c.10099C>T (p.Arg3367Cys)

Gene: DYNC2H1 (dynein cytoplasmic 2 heavy chain 1; plus strand). Cytogenetic location: 11q22.3.
Variant type: single nucleotide variant.
Coding change: c.10099C>T on transcript NM_001377.3 (MANE Select); coding-DNA position 10099, C replaced by T.
Protein change: p.Arg3367Cys; replaces arginine 3367 with cysteine.
Molecular consequence: missense variant.
Genome position (GRCh38, 1-based): chr11:103,253,341, C>T. VCF-style: chr11-103253341-C-T. GRCh37 (hg19) VCF-style: chr11-103124070-C-T.
Other names: c.10120C>T, p.Arg3374Cys (NM_001080463.2); short protein forms R3374C, R3367C.
Identifiers: ClinVar variation 446545 (VCV000446545.8), dbSNP rs200710887, ClinGen allele CA227414214.
Genomic context (GRCh38, chr11:103,253,341, plus strand): 5'-ATAGGACCACGTTATGTGGTACAAATAGGTGACAAAATTATTGACTACAATGAAGAATTC[C>T]GCCTCTTTTTGTCAACAAGAAACCCAAATCCTTTTATTCCACCGGATGCAGCTTCCATTG-3'
Protein context (NP_001368.2, residues 3357-3377): DKIIDYNEEF[Arg3367Cys]LFLSTRNPNP

ClinVar aggregate classification (germline): Conflicting classifications of pathogenicity. Review status: criteria provided, conflicting classifications (1 of 4 stars). 8 submissions from 8 submitters: Likely pathogenic (5); Uncertain significance (1). 2 of the submissions do not count toward it. Last evaluated 2026-02-19.

Conditions:
Asphyxiating thoracic dystrophy 3. Also called: SHORT-RIB THORACIC DYSPLASIA 3 WITH OR WITHOUT POLYDACTYLY; SHORT-RIB THORACIC DYSPLASIA 3/6 WITH POLYDACTYLY, DIGENIC; Saldino-Noonan Syndrome; POLYDACTYLY WITH NEONATAL CHONDRODYSTROPHY, TYPE I; Short rib polydactyly syndrome 2B. Identifiers: Orphanet 474, Orphanet 93269, Orphanet 93270, Orphanet 93271, MedGen C0036069, MONDO:0013127, OMIM 613091.
Retinal disorder. Also called: Retinal disorders; Retinopathy; Retinopathies; Retinal Diseases. Identifiers: MedGen C0035309, MONDO:0005283, HP:0000488.
Jeune thoracic dystrophy. Also called: Jeune syndrome; Short-rib thoracic dysplasia; Infantile thoracic dystrophy; Thoracic pelvic phalangeal dystrophy; Jeune's syndrome; Chondroectodermal dysplasia-like syndrome. Identifiers: Orphanet 474, MedGen C0265275, MONDO:0018770.

Allele frequency attached by ClinVar (database versions not stated): TOPMed 0.00002; ESP Exome Variant Server 0.00008.
gnomAD v4.1: 28 of 1,612,910 alleles (0.0017%); highest among the groups gnomAD compares: Admixed American, 0.01%; no homozygotes.

Submissions (8):

Genetics Laboratory, Great Ormond Street Hospital NHS Foundation Trust, North Thames Genomic Laboratory Hub
Classification: Uncertain significance for Retinal disorders. Last evaluated: 2026-02-19. Review status: criteria provided, single submitter. Criteria: ACGS Best Practice Guidelines for Variant Classification in Rare Disease 2024 v1.2. Collection method: clinical testing. Allele origin: germline. Affected: yes.
Comment: PM2_moderate, PM5_supporting, PM3_supporting

First Genomix Gene Laboratory, Genetic Diagnostics Department
Classification: Likely pathogenic for Asphyxiating thoracic dystrophy 3. Last evaluated: 2025-09-19. Review status: criteria provided, single submitter. Criteria: ACMG Guidelines, 2015. Collection method: clinical testing. Allele origin: germline. Inheritance: Autosomal recessive inheritance. Affected: no. Observed: 1 variant allele.

Genomic Medicine Center of Excellence, King Faisal Specialist Hospital and Research Centre
Classification: Likely pathogenic for Asphyxiating thoracic dystrophy 3. Last evaluated: 2025-09-10. Review status: criteria provided, single submitter. Criteria: ACMG Guidelines, 2015. Collection method: clinical testing. Allele origin: germline.

Variantyx, Inc.
Classification: Likely pathogenic for Asphyxiating thoracic dystrophy 3. Last evaluated: 2025-04-10. Review status: criteria provided, single submitter. Criteria: Variantyx Assertion Criteria 2022. Collection method: clinical testing. Allele origin: germline. Inheritance: Autosomal recessive inheritance. Affected: yes.
Comment: This is a nonsynonymous variant in the DYNC2H1 gene (OMIM: 603297). Pathogenic variants in this gene have been associated with autosomal recessive short-rib thoracic dysplasia 3 with or without polydactyly. The alteration lies within a known hotspot for pathogenic variants with multiple pathogenic variants reported within 30 bp of this variant (PM1_Strong). This variant has a 0.0100% maximum allele frequency in non-founder control populations (PM2). Computational algorithms produce conflicting evidence regarding the predicted functional impact of this variant (REVEL score: 0.606). However, the clinical symptoms reported for this individual are highly specific for autosomal recessive short-rib thoracic dysplasia 3 with or without polydactyly, which has a limited genetic etiology (PP4). Based on the current evidence, this variant is classified as likely pathogenic for autosomal recessive short-rib thoracic dysplasia 3 with or without polydactyly.

Labcorp Genetics (formerly Invitae), Labcorp
Classification: Likely pathogenic for Jeune thoracic dystrophy. Last evaluated: 2025-03-18. Review status: criteria provided, single submitter. Criteria: Invitae Variant Classification Sherloc (09022015). Collection method: clinical testing. Allele origin: germline.
Comment: This sequence change replaces arginine, which is basic and polar, with cysteine, which is neutral and slightly polar, at codon 3374 of the DYNC2H1 protein (p.Arg3374Cys). This variant is present in population databases (rs200710887, gnomAD 0.01%). This missense change has been observed in individual(s) with asphyxiating thoracic dystrophy (PMID: 29068549). ClinVar contains an entry for this variant (Variation ID: 446545). Invitae Evidence Modeling of protein sequence and biophysical properties (such as structural, functional, and spatial information, amino acid conservation, physicochemical variation, residue mobility, and thermodynamic stability) indicates that this missense variant is expected to disrupt DYNC2H1 protein function with a positive predictive value of 95%. This variant disrupts the p.Arg3374 amino acid residue in DYNC2H1. Other variant(s) that disrupt this residue have been determined to be pathogenic (PMID: 26938784, 28832562, 29453417). This suggests that this residue is clinically significant, and that variants that disrupt this residue are likely to be disease-causing. In summary, the currently available evidence indicates that the variant is pathogenic, but additional data are needed to prove that conclusively. Therefore, this variant has been classified as Likely Pathogenic.

Fulgent Genetics
Classification: Likely pathogenic for Asphyxiating thoracic dystrophy 3. Last evaluated: 2024-04-23. Review status: criteria provided, single submitter. Criteria: ACMG Guidelines, 2015. Collection method: clinical testing. Allele origin: germline.

Dan Cohn Lab, University Of California Los Angeles
Classification: Pathogenic for Asphyxiating thoracic dystrophy. Last evaluated: 2017-06-01. Review status: no assertion criteria provided. Collection method: research. Allele origin: unknown. Affected: yes. Not counted in ClinVar's aggregate classification.

University of Washington Center for Mendelian Genomics, University of Washington
Classification: Likely pathogenic for asphyxiating thoracic dystrophy. Review status: no assertion criteria provided. Collection method: research. Allele origin: inherited. Affected: yes. Not counted in ClinVar's aggregate classification.

Literature cited by the submitters: PubMed 29068549 (cited by 4 submitters); PubMed 26938784 (cited by Labcorp Genetics (formerly Invitae), Labcorp); PubMed 28832562 (cited by Labcorp Genetics (formerly Invitae), Labcorp); PubMed 29453417 (cited by Labcorp Genetics (formerly Invitae), Labcorp).